The following is an entry in ClinVar:

NM_015450.3(POT1):c.1396C>T (p.Leu466Phe)

Gene: POT1 (protection of telomeres 1; minus strand). Cytogenetic location: 7q31.33.
Variant type: single nucleotide variant.
Coding change: c.1396C>T on transcript NM_015450.3 (MANE Select); coding-DNA position 1396, C replaced by T.
Protein change: p.Leu466Phe; replaces leucine 466 with phenylalanine.
Molecular consequence: missense variant. On other transcripts: non-coding transcript variant (3).
Genome position (GRCh38, 1-based): chr7:124,835,388, G>A on the plus strand (C>T on the coding strand, the complement: POT1 is on the minus strand). VCF-style: chr7-124835388-G-A. GRCh37 (hg19) VCF-style: chr7-124475442-G-A.
Other names: c.1003C>T, p.Leu335Phe (NM_001042594.2); short protein forms L335F, L466F.
Identifiers: ClinVar variation 1010101 (VCV001010101.9), dbSNP rs958828560, ClinGen allele CA369065934.

ClinVar aggregate classification (germline): Uncertain significance (1 of 4 stars; one submission).

Conditions:
Tumor predisposition syndrome 3 (TPDS3). Also called: Glioma susceptibility 9; LONG TELOMERE SYNDROME, POT1-RELATED; POT1 Tumor Predisposition; Melanoma, cutaneous malignant, susceptibility to, 10. Identifiers: Orphanet 618, MedGen C4014476, MONDO:0014368, OMIM 615848.

Submission:

Labcorp Genetics (formerly Invitae), Labcorp
Classification: Uncertain significance for Tumor predisposition syndrome 3. Last evaluated: 2021-01-08. Review status: criteria provided, single submitter. Criteria: Invitae Variant Classification Sherloc (09022015). Collection method: clinical testing. Allele origin: germline.
Comment: In summary, the available evidence is currently insufficient to determine the role of this variant in disease. Therefore, it has been classified as a Variant of Uncertain Significance. Algorithms developed to predict the effect of missense changes on protein structure and function are either unavailable or do not agree on the potential impact of this missense change (SIFT: "Deleterious"; PolyPhen-2: "Probably Damaging"; Align-GVGD: "Class C15"). This variant has not been reported in the literature in individuals with POT1-related conditions. This variant is not present in population databases (ExAC no frequency). This sequence change replaces leucine with phenylalanine at codon 466 of the POT1 protein (p.Leu466Phe). The leucine residue is highly conserved and there is a small physicochemical difference between leucine and phenylalanine.